The following is an entry in ClinVar:

ClinVar aggregate classification (germline): Uncertain significance. Review status: criteria provided, multiple submitters, no conflicts (2 of 4 stars). 2 submissions from 2 submitters: Uncertain significance (2). Last evaluated 2024-10-12.

Conditions:
Hereditary cancer-predisposing syndrome. Also called: Neoplastic Syndromes, Hereditary; Tumor predisposition; Hereditary Cancer Syndrome; Hereditary neoplastic syndrome. Identifiers: Orphanet 140162, MedGen C0027672, MeSH D009386, MONDO:0015356.

Submissions (2):

Ambry Genetics
Classification: Uncertain significance for Hereditary cancer-predisposing syndrome. Last evaluated: 2024-10-12. Review status: criteria provided, single submitter. Criteria: Ambry Variant Classification Scheme 2023. Collection method: clinical testing. Allele origin: germline.
Comment: The p.K1219N variant (also known as c.3657G>T), located in coding exon 30 of the POLE gene, results from a G to T substitution at nucleotide position 3657. The lysine at codon 1219 is replaced by asparagine, an amino acid with similar properties. This amino acid position is conserved. In addition, this alteration is predicted to be tolerated by in silico analysis. Based on the available evidence, the clinical significance of this variant remains unclear.

Labcorp Genetics (formerly Invitae), Labcorp
Classification: Uncertain significance. Last evaluated: 2024-04-10. Review status: criteria provided, single submitter. Criteria: Invitae Variant Classification Sherloc (09022015). Collection method: clinical testing. Allele origin: germline.
Comment: This sequence change replaces lysine, which is basic and polar, with asparagine, which is neutral and polar, at codon 1219 of the POLE protein (p.Lys1219Asn). This variant is not present in population databases (gnomAD no frequency). This variant has not been reported in the literature in individuals affected with POLE-related conditions. Advanced modeling of protein sequence and biophysical properties (such as structural, functional, and spatial information, amino acid conservation, physicochemical variation, residue mobility, and thermodynamic stability) performed at Invitae indicates that this missense variant is not expected to disrupt POLE protein function with a negative predictive value of 80%. In summary, the available evidence is currently insufficient to determine the role of this variant in disease. Therefore, it has been classified as a Variant of Uncertain Significance.

NM_006231.4(POLE):c.3657G>T (p.Lys1219Asn)

Gene: POLE (DNA polymerase epsilon, catalytic subunit; minus strand). Cytogenetic location: 12q24.33.
Variant type: single nucleotide variant.
Coding change: c.3657G>T on transcript NM_006231.4 (MANE Select); coding-DNA position 3657, G replaced by T.
Protein change: p.Lys1219Asn; replaces lysine 1219 with asparagine.
Molecular consequence: missense variant.
Genome position (GRCh38, 1-based): chr12:132,649,815, C>A on the plus strand (G>T on the coding strand, the complement: POLE is on the minus strand). VCF-style: chr12-132649815-C-A. GRCh37 (hg19) VCF-style: chr12-133226401-C-A.
Other names: short protein forms K1219N.
Identifiers: ClinVar variation 3422062 (VCV003422062.3).